The following is an entry in ClinVar:

ClinVar aggregate classification (germline): Uncertain significance (1 of 4 stars; one submission).

Conditions:
Pheochromocytoma. Also called: MAX-Related Hereditary Paraganglioma-Pheochromocytoma Syndrome. Identifiers: Orphanet 29072, MedGen C0031511, MONDO:0008233, OMIM 171300, HP:0002666.
Carney-Stratakis syndrome. Also called: PARAGANGLIOMA AND GASTROINTESTINAL STROMAL TUMOR. Identifiers: Orphanet 97286, MedGen C1847319, MONDO:0011740, OMIM 606864.
Cowden syndrome 3 (CWS3). Identifiers: Orphanet 201, MedGen CN166604, MONDO:0014045.
Paragangliomas with sensorineural hearing loss. Identifiers: MedGen C1868633.

Submission:

Labcorp Genetics (formerly Invitae), Labcorp
Classification: Uncertain significance for Carney-Stratakis syndrome; Paragangliomas with sensorineural hearing loss; Pheochromocytoma; Cowden syndrome 3. Last evaluated: 2025-01-29. Review status: criteria provided, single submitter. Criteria: Invitae Variant Classification Sherloc (09022015). Collection method: clinical testing. Allele origin: germline.
Comment: This sequence change replaces histidine, which is basic and polar, with proline, which is neutral and non-polar, at codon 104 of the SDHD protein (p.His104Pro). This variant is not present in population databases (gnomAD no frequency). This missense change has been observed in individual(s) with paraganglioma (PMID: 22566157). Invitae Evidence Modeling of protein sequence and biophysical properties (such as structural, functional, and spatial information, amino acid conservation, physicochemical variation, residue mobility, and thermodynamic stability) indicates that this missense variant is expected to disrupt SDHD protein function with a positive predictive value of 95%. In summary, the available evidence is currently insufficient to determine the role of this variant in disease. Therefore, it has been classified as a Variant of Uncertain Significance.

Literature cited by the submitters: PubMed 22566157.

NM_003002.4(SDHD):c.311A>C (p.His104Pro)

Gene: SDHD (succinate dehydrogenase complex subunit D; plus strand). Cytogenetic location: 11q23.1.
Variant type: single nucleotide variant.
Coding change: c.311A>C on transcript NM_003002.4 (MANE Select); coding-DNA position 311, A replaced by C.
Protein change: p.His104Pro; replaces histidine 104 with proline.
Molecular consequence: missense variant. On other transcripts: non-coding transcript variant (1), intron variant (1).
Genome position (GRCh38, 1-based): chr11:112,089,008, A>C. VCF-style: chr11-112089008-A-C. GRCh37 (hg19) VCF-style: chr11-111959732-A-C.
Other names: c.194A>C, p.His65Pro (NM_001276504.2); c.311A>C, p.His104Pro (NM_001276506.2); c.169+1035A>C (NM_001276503.2); short protein forms H104P, H65P.
Identifiers: ClinVar variation 4783725 (VCV004783725.1).